The following is an entry in ClinVar:

NM_001005242.3(PKP2):c.1688G>A (p.Cys563Tyr)

Gene: PKP2 (plakophilin 2; minus strand). Cytogenetic location: 12p11.21.
Variant type: single nucleotide variant.
Coding change: c.1688G>A on transcript NM_001005242.3 (MANE Select); coding-DNA position 1688, G replaced by A.
Protein change: p.Cys563Tyr; replaces cysteine 563 with tyrosine.
Molecular consequence: missense variant. On other transcripts: intron variant (1).
Genome position (GRCh38, 1-based): chr12:32,822,618, C>T on the plus strand (G>A on the coding strand, the complement: PKP2 is on the minus strand). VCF-style: chr12-32822618-C-T. GRCh37 (hg19) VCF-style: chr12-32975552-C-T.
Other names: c.1688G>A, p.Cys563Tyr (NM_001407155.1, NM_001407161.1); c.1820G>A, p.Cys607Tyr (NM_001407157.1, NM_004572.4); c.1361G>A, p.Cys454Tyr (NM_001407158.1, NM_001407159.1, NM_001407160.1 and 1 more transcripts); c.1675-1089G>A (NM_001407156.1); short protein forms C563Y, C454Y, C607Y.
Identifiers: ClinVar variation 3307095 (VCV003307095.1).

ClinVar aggregate classification (germline): Uncertain significance (1 of 4 stars; one submission).

Conditions:
Cardiovascular phenotype. Identifiers: MedGen CN230736.

gnomAD v4.1: 2 of 1,614,090 alleles (0.00012%); highest among the groups gnomAD compares: East Asian, 0.0022%; no homozygotes.

Submission:

Ambry Genetics
Classification: Uncertain significance for Cardiovascular phenotype. Last evaluated: 2024-04-02. Review status: criteria provided, single submitter. Criteria: Ambry Variant Classification Scheme 2023. Collection method: clinical testing. Allele origin: germline.
Comment: The p.C607Y variant (also known as c.1820G>A), located in coding exon 9 of the PKP2 gene, results from a G to A substitution at nucleotide position 1820. The cysteine at codon 607 is replaced by tyrosine, an amino acid with highly dissimilar properties. This amino acid position is well conserved in available vertebrate species. In addition, this alteration is predicted to be deleterious by in silico analysis. Based on the available evidence, the clinical significance of this alteration remains unclear.